The following is an entry in ClinVar:

NM_147127.5(EVC2):c.1371A>C (p.Glu457Asp)

Genes: EVC2 (EvC ciliary complex subunit 2; minus strand), LOC126806961 (BRD4-independent group 4 enhancer GRCh37_chr4:5641443-5642642; plus strand). Cytogenetic location: 4p16.2.
Variant type: single nucleotide variant.
Coding change: c.1371A>C on transcript NM_147127.5 (MANE Select); coding-DNA position 1371, A replaced by C.
Protein change: p.Glu457Asp; replaces glutamic acid 457 with aspartic acid.
Molecular consequence: missense variant.
Genome position (GRCh38, 1-based): chr4:5,640,613, T>G on the plus strand (A>C on the coding strand, the complement: EVC2 is on the minus strand). VCF-style: chr4-5640613-T-G. GRCh37 (hg19) VCF-style: chr4-5642340-T-G.
Other names: c.1131A>C, p.Glu377Asp (NM_001166136.2); short protein forms E457D, E377D.
Identifiers: ClinVar variation 349085 (VCV000349085.15), dbSNP rs368371226, ClinGen allele CA2835081.

ClinVar aggregate classification (germline): Uncertain significance. Review status: criteria provided, multiple submitters, no conflicts (2 of 4 stars). 7 submissions from 7 submitters: Uncertain significance (6). 1 of the submissions does not count toward it. Last evaluated 2024-10-16.

Conditions:
EVC2-related disorder. Also called: EVC2-related condition.
Curry-Hall syndrome (WAD). Also called: WEYERS ACRODENTAL DYSOSTOSIS. Identifiers: Orphanet 952, MedGen C0457013, MONDO:0008673, OMIM 193530.
Ellis-van Creveld syndrome (EVC). Also called: MESOECTODERMAL DYSPLASIA; Chondroectodermal dysplasia. Identifiers: Orphanet 289, MedGen C0013903, MONDO:0009162, OMIM 225500.

Allele frequency attached by ClinVar (database versions not stated): ExAC 0.00002; gnomAD 0.00002 and 0.00003; gnomAD exomes 0.00006 and 0.00008; TOPMed 0.00006; ESP Exome Variant Server 0.00008.

Submissions (7):

Labcorp Genetics (formerly Invitae), Labcorp
Classification: Uncertain significance for Curry-Hall syndrome; Ellis-van Creveld syndrome. Last evaluated: 2024-10-16. Review status: criteria provided, single submitter. Criteria: Invitae Variant Classification Sherloc (09022015). Collection method: clinical testing. Allele origin: germline.
Comment: This sequence change replaces glutamic acid, which is acidic and polar, with aspartic acid, which is acidic and polar, at codon 457 of the EVC2 protein (p.Glu457Asp). This variant is present in population databases (rs368371226, gnomAD 0.01%). This variant has not been reported in the literature in individuals affected with EVC2-related conditions. ClinVar contains an entry for this variant (Variation ID: 349085). An algorithm developed to predict the effect of missense changes on protein structure and function (PolyPhen-2) suggests that this variant is likely to be disruptive. In summary, the available evidence is currently insufficient to determine the role of this variant in disease. Therefore, it has been classified as a Variant of Uncertain Significance.

Blueprint Genetics
Classification: Uncertain significance. Last evaluated: 2024-10-08. Review status: criteria provided, single submitter. Criteria: ACMG Guidelines, 2015. Collection method: clinical testing. Allele origin: germline.

Fulgent Genetics
Classification: Uncertain significance for Curry-Hall syndrome; Ellis-van Creveld syndrome. Last evaluated: 2024-04-16. Review status: criteria provided, single submitter. Criteria: ACMG Guidelines, 2015. Collection method: clinical testing. Allele origin: germline.

Revvity Omics, Revvity
Classification: Uncertain significance. Last evaluated: 2021-11-02. Review status: criteria provided, single submitter. Criteria: ACMG Guidelines, 2015. Collection method: clinical testing. Allele origin: germline.

Baylor Genetics
Classification: Uncertain significance for Ellis-van Creveld syndrome. Last evaluated: 2018-10-28. Review status: criteria provided, single submitter. Criteria: ACMG Guidelines, 2015. Collection method: clinical testing. Allele origin: paternal. Affected: yes.
Comment: This variant was determined to be of uncertain significance according to ACMG Guidelines, 2015 [PMID:25741868].

Illumina Laboratory Services, Illumina
Classification: Uncertain significance for Ellis-van Creveld syndrome. Last evaluated: 2018-01-12. Review status: criteria provided, single submitter. Criteria: ICSL Variant Classification Criteria 13 December 2019. Collection method: clinical testing. Allele origin: germline.

PreventionGenetics, part of Exact Sciences
Classification: Uncertain significance for EVC2-related condition. Last evaluated: 2024-05-17. Review status: no assertion criteria provided. Collection method: clinical testing. Allele origin: germline. Not counted in ClinVar's aggregate classification.
Comment: The EVC2 c.1371A>C variant is predicted to result in the amino acid substitution p.Glu457Asp. To our knowledge, this variant has not been reported in the literature. This variant is reported in 0.012% of alleles in individuals of European (Non-Finnish) descent in gnomAD. At this time, the clinical significance of this variant is uncertain due to the absence of conclusive functional and genetic evidence.